The following is an entry in ClinVar:

ClinVar aggregate classification (germline): Likely benign (1 of 4 stars; one submission).

Allele frequency attached by ClinVar (database versions not stated): ExAC 0.00001; gnomAD exomes 0.00001; ESP Exome Variant Server 0.00009.
gnomAD v4.1: 8 of 1,189,809 alleles (0.00067%); highest among the groups gnomAD compares: South Asian, 0.0036%; no homozygotes.

Submission:

CeGaT Center for Human Genetics Tuebingen
Classification: Likely benign. Last evaluated: 2022-05-01. Review status: criteria provided, single submitter. Criteria: CeGaT Center For Human Genetics Tuebingen Variant Classification Criteria Version 2. Collection method: clinical testing. Allele origin: germline. Affected: yes. Observed: 1 variant allele.
Comment: SMARCA1: BP4, BP7

NM_001282874.2(SMARCA1):c.1926C>T (p.Leu642=)

Gene: SMARCA1 (SNF2 related chromatin remodeling ATPase 1; minus strand). Cytogenetic location: Xq25.
Variant type: single nucleotide variant.
Coding change: c.1926C>T on transcript NM_001282874.2 (MANE Select); coding-DNA position 1926, C replaced by T.
Protein change: p.Leu642=; no amino-acid change (leucine 642 retained).
Molecular consequence: synonymous variant.
Genome position (GRCh38, 1-based): chrX:129,490,082, G>A on the plus strand (C>T on the coding strand, the complement: SMARCA1 is on the minus strand). VCF-style: chrX-129490082-G-A. GRCh37 (hg19) VCF-style: chrX-128624059-G-A.
Other names: c.1890C>T, p.Leu630= (NM_001282875.2, NM_001378262.1, NM_001378263.1 and 1 more transcripts); c.1926C>T, p.Leu642= (NM_001378261.1, NM_003069.5).
Identifiers: ClinVar variation 2661390 (VCV002661390.24), dbSNP rs373290591, ClinGen allele CA10511585.